The following is an entry in ClinVar:

ClinVar aggregate classification (germline): Uncertain significance (1 of 4 stars; one submission).

Conditions:
Jeune thoracic dystrophy. Also called: Jeune syndrome; Infantile thoracic dystrophy; Thoracic pelvic phalangeal dystrophy; Jeune's syndrome; Chondroectodermal dysplasia-like syndrome; Short-rib thoracic dysplasia. Identifiers: Orphanet 474, MedGen C0265275, MONDO:0018770.

Allele frequency attached by ClinVar (database versions not stated): ExAC 0.00001; gnomAD 0.00001 and 0.00002; gnomAD exomes 0.00002 and 0.00003; TOPMed 0.00004.

Submission:

Labcorp Genetics (formerly Invitae), Labcorp
Classification: Uncertain significance for Jeune thoracic dystrophy. Last evaluated: 2024-11-29. Review status: criteria provided, single submitter. Criteria: Invitae Variant Classification Sherloc (09022015). Collection method: clinical testing. Allele origin: germline.
Comment: This sequence change replaces arginine, which is basic and polar, with glutamine, which is neutral and polar, at codon 462 of the DYNC2H1 protein (p.Arg462Gln). This variant is present in population databases (rs772239748, gnomAD 0.01%). This variant has not been reported in the literature in individuals affected with DYNC2H1-related conditions. ClinVar contains an entry for this variant (Variation ID: 1485545). Invitae Evidence Modeling of protein sequence and biophysical properties (such as structural, functional, and spatial information, amino acid conservation, physicochemical variation, residue mobility, and thermodynamic stability) has been performed for this missense variant. However, the output from this modeling did not meet the statistical confidence thresholds required to predict the impact of this variant on DYNC2H1 protein function. In summary, the available evidence is currently insufficient to determine the role of this variant in disease. Therefore, it has been classified as a Variant of Uncertain Significance.

NM_001377.3(DYNC2H1):c.1385G>A (p.Arg462Gln)

Gene: DYNC2H1 (dynein cytoplasmic 2 heavy chain 1; plus strand). Cytogenetic location: 11q22.3.
Variant type: single nucleotide variant.
Coding change: c.1385G>A on transcript NM_001377.3 (MANE Select); coding-DNA position 1385, G replaced by A.
Protein change: p.Arg462Gln; replaces arginine 462 with glutamine.
Molecular consequence: missense variant.
Genome position (GRCh38, 1-based): chr11:103,121,396, G>A. VCF-style: chr11-103121396-G-A. GRCh37 (hg19) VCF-style: chr11-102992125-G-A.
Other names: c.1385G>A, p.Arg462Gln (NM_001080463.2); short protein forms R462Q.
Identifiers: ClinVar variation 1485545 (VCV001485545.5), dbSNP rs772239748, ClinGen allele CA6252758.